The following is an entry in ClinVar:

NM_001903.5(CTNNA1):c.1683C>G (p.Asp561Glu)

Gene: CTNNA1 (catenin alpha 1; plus strand). Cytogenetic location: 5q31.2.
Variant type: single nucleotide variant.
Coding change: c.1683C>G on transcript NM_001903.5 (MANE Select); coding-DNA position 1683, C replaced by G.
Protein change: p.Asp561Glu; replaces aspartic acid 561 with glutamic acid.
Molecular consequence: missense variant.
Genome position (GRCh38, 1-based): chr5:138,924,646, C>G. VCF-style: chr5-138924646-C-G. GRCh37 (hg19) VCF-style: chr5-138260335-C-G.
Other names: c.1683C>G (NM_001903.2); c.1683C>G, p.Asp561Glu (NM_001290307.3, NM_001323982.2, NM_001323983.1 and 2 more transcripts); c.1374C>G, p.Asp458Glu (NM_001290309.3); c.1314C>G, p.Asp438Glu (NM_001290310.3); c.573C>G, p.Asp191Glu (NM_001290312.1, NM_001323987.1, NM_001323988.1 and 17 more transcripts); c.1590C>G, p.Asp530Glu (NM_001323986.2); c.234C>G, p.Asp78Glu (NM_001324006.1, NM_001324007.1, NM_001324008.1 and 2 more transcripts); c.480C>G, p.Asp160Glu (NM_001324011.1); and 1 more; short protein forms D530E, D561E, D110E, D438E, D78E, D458E, D160E, D191E.
Identifiers: ClinVar variation 1419616 (VCV001419616.9), dbSNP rs2150289433, ClinGen allele CA361131967.
Genomic context (GRCh38, chr5:138,924,646, plus strand): 5'-AGCTGGTGCAATTCGAGGCCGGGCAGCCCGGGTCATTCACGTAGTCACCTCAGAGATGGA[C>G]AACTATGAGCCAGGAGTCTACACAGAGAAGGTTCTGGAAGCCACTAAGCTGCTCTCCAAC-3'
Protein context (NP_001894.2, residues 551-571): RVIHVVTSEM[Asp561Glu]NYEPGVYTEK

ClinVar aggregate classification (germline): Conflicting classifications of pathogenicity. Review status: criteria provided, conflicting classifications (1 of 4 stars). 2 submissions from 2 submitters: Uncertain significance (1); Likely benign (1). Last evaluated 2023-12-19.

Conditions:
Hereditary cancer-predisposing syndrome. Also called: Neoplastic Syndromes, Hereditary; Hereditary Cancer Syndrome; Hereditary neoplastic syndrome; Tumor predisposition. Identifiers: Orphanet 140162, MedGen C0027672, MeSH D009386, MONDO:0015356.

gnomAD v4.1: 1 of 1,610,712 alleles (0.000062%); highest among the groups gnomAD compares: Non-Finnish European, 0.000085%; no homozygotes.

Submissions (2):

Ambry Genetics
Classification: Likely benign for Hereditary cancer-predisposing syndrome. Last evaluated: 2023-12-19. Review status: criteria provided, single submitter. Criteria: Ambry Variant Classification Scheme 2023. Collection method: clinical testing. Allele origin: germline.

Labcorp Genetics (formerly Invitae), Labcorp
Classification: Uncertain significance. Last evaluated: 2021-07-27. Review status: criteria provided, single submitter. Criteria: Invitae Variant Classification Sherloc (09022015). Collection method: clinical testing. Allele origin: germline.
Comment: In summary, the available evidence is currently insufficient to determine the role of this variant in disease. Therefore, it has been classified as a Variant of Uncertain Significance. Algorithms developed to predict the effect of missense changes on protein structure and function are either unavailable or do not agree on the potential impact of this missense change (SIFT: "Deleterious"; PolyPhen-2: "Benign"; Align-GVGD: "Class C0"). This variant has not been reported in the literature in individuals affected with CTNNA1-related conditions. This variant is not present in population databases (ExAC no frequency). This sequence change replaces aspartic acid with glutamic acid at codon 561 of the CTNNA1 protein (p.Asp561Glu). The aspartic acid residue is highly conserved and there is a small physicochemical difference between aspartic acid and glutamic acid.